The following is an entry in ClinVar:

NM_001429.4(EP300):c.5584C>G (p.Gln1862Glu)

Gene: EP300 (E1A binding protein p300; plus strand). Cytogenetic location: 22q13.2.
Variant type: single nucleotide variant.
Coding change: c.5584C>G on transcript NM_001429.4 (MANE Select); coding-DNA position 5584, C replaced by G.
Protein change: p.Gln1862Glu; replaces glutamine 1862 with glutamic acid.
Molecular consequence: missense variant.
Genome position (GRCh38, 1-based): chr22:41,177,295, C>G. VCF-style: chr22-41177295-C-G. GRCh37 (hg19) VCF-style: chr22-41573299-C-G.
Other names: c.5506C>G, p.Gln1836Glu (NM_001362843.2); short protein forms Q1836E, Q1862E.
Identifiers: ClinVar variation 1304577 (VCV001304577.2), dbSNP rs2145516559, ClinGen allele CA411709286.

ClinVar aggregate classification (germline): Uncertain significance (1 of 4 stars; one submission).

Submission:

GeneDx
Classification: Uncertain significance. Last evaluated: 2020-07-06. Review status: criteria provided, single submitter. Criteria: GeneDx Variant Classification Process June 2021. Collection method: clinical testing. Allele origin: germline. Affected: yes.
Comment: Not observed in large population cohorts (Lek et al., 2016); In silico analysis supports that this missense variant does not alter protein structure/function; Has not been previously published as pathogenic or benign to our knowledge